The following is an entry in ClinVar:

ClinVar aggregate classification (germline): Conflicting classifications of pathogenicity. Review status: criteria provided, conflicting classifications (1 of 4 stars). 4 submissions from 4 submitters: Uncertain significance (3); Benign (1). Last evaluated 2025-09-09.

Conditions:
Hereditary cancer-predisposing syndrome. Also called: Tumor predisposition; Neoplastic Syndromes, Hereditary; Hereditary Cancer Syndrome; Hereditary neoplastic syndrome. Identifiers: Orphanet 140162, MedGen C0027672, MeSH D009386, MONDO:0015356.
Familial adenomatous polyposis 2. Also called: COLORECTAL ADENOMATOUS POLYPOSIS, AUTOSOMAL RECESSIVE; ADENOMAS, MULTIPLE COLORECTAL, AUTOSOMAL RECESSIVE; MYH-associated polyposis; MUTYH Polyposis; Adenomas, multiple colorectal; MUTYH-associated polyposis. Identifiers: Orphanet 220460, Orphanet 247798, MedGen C3272841, MONDO:0012041, OMIM 608456.

Allele frequency attached by ClinVar (database versions not stated): gnomAD exomes below 0.00001.
gnomAD v4.1: 2 of 1,614,210 alleles (0.00012%); highest among the groups gnomAD compares: Non-Finnish European, 0.00017%; no homozygotes.

Submissions (4):

Ambry Genetics
Classification: Benign for Hereditary cancer-predisposing syndrome. Last evaluated: 2025-09-09. Review status: criteria provided, single submitter. Criteria: Ambry Variant Classification Scheme 2023. Collection method: clinical testing. Allele origin: germline.

Mayo Clinic Laboratories, Mayo Clinic
Classification: Uncertain significance. Last evaluated: 2025-05-28. Review status: criteria provided, single submitter. Criteria: ACMG Guidelines, 2015. Collection method: clinical testing. Allele origin: germline. Observed: 1 variant allele.
Comment: BP4

Labcorp Genetics (formerly Invitae), Labcorp
Classification: Uncertain significance for Familial adenomatous polyposis 2. Last evaluated: 2024-05-06. Review status: criteria provided, single submitter. Criteria: Invitae Variant Classification Sherloc (09022015). Collection method: clinical testing. Allele origin: germline.
Comment: This sequence change replaces alanine, which is neutral and non-polar, with valine, which is neutral and non-polar, at codon 319 of the MUTYH protein (p.Ala319Val). This variant is not present in population databases (gnomAD no frequency). This variant has not been reported in the literature in individuals affected with MUTYH-related conditions. ClinVar contains an entry for this variant (Variation ID: 659323). Algorithms developed to predict the effect of missense changes on protein structure and function output the following: SIFT: "Not Available"; PolyPhen-2: "Benign"; Align-GVGD: "Not Available". The valine amino acid residue is found in multiple mammalian species, which suggests that this missense change does not adversely affect protein function. In summary, the available evidence is currently insufficient to determine the role of this variant in disease. Therefore, it has been classified as a Variant of Uncertain Significance.

Women's Health and Genetics/Laboratory Corporation of America, LabCorp
Classification: Uncertain significance. Last evaluated: 2021-08-01. Review status: criteria provided, single submitter. Criteria: LabCorp Variant Classification Summary - May 2015. Collection method: clinical testing. Allele origin: germline.
Comment: Variant summary: MUTYH c.956C>T (p.Ala319Val) results in a non-conservative amino acid change in the encoded protein sequence. Four of five in-silico tools predict a benign effect of the variant on protein function. The variant was absent in 251468 control chromosomes. The available data on variant occurrences in the general population are insufficient to allow any conclusion about variant significance. To our knowledge, no occurrence of c.956C>T in individuals affected with MUTYH-Associated Polyposis and no experimental evidence demonstrating its impact on protein function have been reported. One clinical diagnostic laboratory has submitted clinical-significance assessments for this variant to ClinVar after 2014 without evidence for independent evaluation and classified the variant as uncertain significance. Based on the evidence outlined above, the variant was classified as uncertain significance.

NM_001048174.2(MUTYH):c.872C>T (p.Ala291Val)

Gene: MUTYH (mutY DNA glycosylase; minus strand). Cytogenetic location: 1p34.1.
Variant type: single nucleotide variant.
Coding change: c.872C>T on transcript NM_001048174.2 (MANE Select); coding-DNA position 872, C replaced by T.
Protein change: p.Ala291Val; replaces alanine 291 with valine.
Molecular consequence: missense variant. On other transcripts: non-coding transcript variant (2).
Genome position (GRCh38, 1-based): chr1:45,332,064, G>A on the plus strand (C>T on the coding strand, the complement: MUTYH is on the minus strand). VCF-style: chr1-45332064-G-A. GRCh37 (hg19) VCF-style: chr1-45797736-G-A.
Other names: p.Ala319Val; c.872C>T, p.Ala291Val (NM_001048171.2, NM_001048173.2, NM_001293195.2); c.875C>T, p.Ala292Val (NM_001048172.2); c.956C>T, p.Ala319Val (NM_001128425.2); c.917C>T, p.Ala306Val (NM_001293190.2); c.905C>T, p.Ala302Val (NM_001293191.2); c.596C>T, p.Ala199Val (NM_001293192.2, NM_001293196.2); c.527C>T, p.Ala176Val (NM_001350650.2, NM_001350651.2); and 1 more; short protein forms A199V, A302V, A306V, A319V, A291V, A292V, A316V, A176V.
Identifiers: ClinVar variation 659323 (VCV000659323.17), dbSNP rs1570395209, ClinGen allele CA340134153.
Genomic context (GRCh38, chr1:45,332,064, plus strand): 5'-GGCTAGGTTTGGTGCTCACCACACTCCTCCACGTCAGGACTGCCCGACAGGCTCCCTGAG[G>A]CTAAGAGCTGTTCCTGCTCCACCTGAGAGGCACAGGGTTGAGTGTCATAGGGCAGAGTCA-3'
Protein context (NP_001041639.1, residues 281-301): RQRVEQEQLL[Ala291Val]SGSLSGSPDV